The following is an entry in ClinVar:

ClinVar aggregate classification (germline): Conflicting classifications of pathogenicity. Review status: criteria provided, conflicting classifications (1 of 4 stars). 6 submissions from 5 submitters: Uncertain significance (2); Likely benign (4). Last evaluated 2024-05-08.

Conditions:
Cardiovascular phenotype. Identifiers: MedGen CN230736.
Catecholaminergic polymorphic ventricular tachycardia (CVPT). Also called: Catecholamine-induced polymorphic ventricular tachycardia. Identifiers: Orphanet 3286, MedGen C5574922, MONDO:0017990.
Arrhythmogenic right ventricular dysplasia 2. Identifiers: MedGen C1832931.
Cardiomyopathy (CMYO). Also called: Cardiomyopathies. Identifiers: Orphanet 167848, MedGen C0878544, MONDO:0004994, HP:0001638. Inheritance: Various modes of inheritance.
Catecholaminergic polymorphic ventricular tachycardia 1. Also called: RYR2-Related Catecholaminergic Polymorphic Ventricular Tachycardia; VENTRICULAR TACHYCARDIA, CATECHOLAMINERGIC POLYMORPHIC, 1, WITH OR WITHOUT ATRIAL DYSFUNCTION AND/OR DILATED CARDIOMYOPATHY; VENTRICULAR TACHYCARDIA, STRESS-INDUCED POLYMORPHIC 1. Identifiers: Orphanet 3286, MedGen C1631597, MONDO:0011484, OMIM 604772.

Allele frequency attached by ClinVar (database versions not stated): gnomAD exomes below 0.00001; ExAC 0.00003.
gnomAD v4.1: 8 of 1,577,062 alleles (0.00051%); highest among the groups gnomAD compares: Middle Eastern, 0.017%; no homozygotes.

Submissions (6):

Labcorp Genetics (formerly Invitae), Labcorp
Classification: Likely benign for Catecholaminergic polymorphic ventricular tachycardia 1. Last evaluated: 2024-05-08. Review status: criteria provided, single submitter. Criteria: Invitae Variant Classification Sherloc (09022015). Collection method: clinical testing. Allele origin: germline.

All of Us Research Program, National Institutes of Health
Classification: Likely benign for Catecholaminergic polymorphic ventricular tachycardia. Last evaluated: 2023-05-31. Review status: criteria provided, single submitter. Criteria: ACMG Guidelines, 2015. Collection method: clinical testing. Allele origin: germline. Inheritance: Autosomal dominant inheritance. Observed: 3 variant alleles, 3 heterozygotes.
Comment: This study involves interpretation of variants in research participants for the purpose of population health screening. Participant phenotype was not available at the time of variant classification. Additional details can be found in publication PMID: 35346344, PMCID: PMC8962531

Ambry Genetics
Classification: Likely benign for Cardiovascular phenotype. Last evaluated: 2023-02-16. Review status: criteria provided, single submitter. Criteria: Ambry Variant Classification Scheme 2023. Collection method: clinical testing. Allele origin: germline.

Color Diagnostics, LLC DBA Color Health
Classification: Likely benign for Cardiomyopathy. Last evaluated: 2019-07-15. Review status: criteria provided, single submitter. Criteria: ACMG Guidelines, 2015. Collection method: clinical testing. Allele origin: germline.

Illumina Laboratory Services, Illumina
Classification: Uncertain significance for Catecholaminergic polymorphic ventricular tachycardia 1. Last evaluated: 2018-01-13. Review status: criteria provided, single submitter. Criteria: ICSL Variant Classification Criteria 13 December 2019. Collection method: clinical testing. Allele origin: germline.

Illumina Laboratory Services, Illumina
Classification: Uncertain significance for Catecholaminergic polymorphic ventricular tachycardia 1. Last evaluated: 2018-01-13. Review status: criteria provided, single submitter. Criteria: ICSL Variant Classification Criteria 13 December 2019. Collection method: clinical testing. Allele origin: germline.

NM_001035.3(RYR2):c.11427G>A (p.Glu3809=)

Gene: RYR2 (ryanodine receptor 2; plus strand). Cytogenetic location: 1q43.
Variant type: single nucleotide variant.
Coding change: c.11427G>A on transcript NM_001035.3 (MANE Select); coding-DNA position 11427, G replaced by A.
Protein change: p.Glu3809=; no amino-acid change (glutamic acid 3809 retained).
Molecular consequence: synonymous variant.
Genome position (GRCh38, 1-based): chr1:237,760,979, G>A. VCF-style: chr1-237760979-G-A. GRCh37 (hg19) VCF-style: chr1-237924279-G-A.
Identifiers: ClinVar variation 875679 (VCV000875679.12), dbSNP rs553350678, ClinGen allele CA084958.